The following is an entry in ClinVar:

ClinVar aggregate classification (germline): Likely benign. Review status: criteria provided, multiple submitters, no conflicts (2 of 4 stars). 3 submissions from 3 submitters: Likely benign (3). Last evaluated 2026-05-01.

gnomAD v4.1: 471 of 1,612,498 alleles (0.029%); highest among the groups gnomAD compares: African/African-American, 0.54%; 15 homozygotes.

Submissions (3):

CeGaT Center for Human Genetics Tuebingen
Classification: Likely benign. Last evaluated: 2026-05-01. Review status: criteria provided, single submitter. Criteria: CeGaT Center For Human Genetics Tuebingen Variant Classification Criteria Version 2. Collection method: clinical testing. Allele origin: germline. Affected: yes. Observed: 1 variant allele.
Comment: CFHR4: BP4, BS2

Women's Health and Genetics/Laboratory Corporation of America, LabCorp
Classification: Likely benign. Last evaluated: 2026-02-06. Review status: criteria provided, single submitter. Criteria: LabCorp Variant Classification Summary - May 2015. Collection method: clinical testing. Allele origin: germline.
Comment: Variant summary: CFHR4 c.925A>T (p.Thr309Ser) results in a conservative amino acid change in the encoded protein sequence. Algorithms developed to predict the effect of missense changes on protein structure and function all suggest that this variant is likely to be tolerated. The variant allele was found at a frequency of 0.0004 in 249856 control chromosomes, predominantly at a frequency of 0.005 within the African or African-American subpopulation in the gnomAD database, including 4 homozygotes. The observed variant frequency within African or African-American control individuals in the gnomAD database exceeds the estimated maximal expected allele frequency for disease-causing variants in CFHR4. To our knowledge, no occurrence of c.925A>T in individuals affected with CFHR4-related conditions and no experimental evidence demonstrating its impact on protein function have been reported. ClinVar contains an entry for this variant (Variation ID: 3380391). Based on the evidence outlined above, the variant was classified as likely benign.

Mayo Clinic Laboratories, Mayo Clinic
Classification: Likely benign. Last evaluated: 2024-12-23. Review status: criteria provided, single submitter. Criteria: ACMG Guidelines, 2015. Collection method: clinical testing. Allele origin: germline. Observed: 5 variant alleles.
Comment: BP1, BP4

NM_001201550.3(CFHR4):c.925A>T (p.Thr309Ser)

Gene: CFHR4 (complement factor H related 4; plus strand). Cytogenetic location: 1q31.3.
Variant type: single nucleotide variant.
Coding change: c.925A>T on transcript NM_001201550.3 (MANE Select); coding-DNA position 925, A replaced by T.
Protein change: p.Thr309Ser; replaces threonine 309 with serine.
Molecular consequence: missense variant. On other transcripts: intron variant (1).
Genome position (GRCh38, 1-based): chr1:196,910,406, A>T. VCF-style: chr1-196910406-A-T. GRCh37 (hg19) VCF-style: chr1-196879536-A-T.
Other names: p.Thr308Ser; c.922A>T, p.Thr308Ser (NM_001201551.2); c.257-2334A>T (NM_006684.5); short protein forms T308S, T309S.
Identifiers: ClinVar variation 3380391 (VCV003380391.5).
Genomic context (GRCh38, chr1:196,910,406, plus strand): 5'-CCATACTTTCCAGTAGCTACAGGACAATCTTACTCCTATTACTGTGACCAAAATTTTGTG[A>T]CTCCTTCAGGAAGTTACTGGGATTACATTCACTGCACACAAGATGGGTGGTTGCCAACAG-3'
Protein context (NP_001188479.1, residues 299-319): YSYYCDQNFV[Thr309Ser]PSGSYWDYIH